The following is an entry in ClinVar:

ClinVar aggregate classification (germline): Likely benign (0 of 4 stars; one submission).

Conditions:
DOCK6-related disorder. Also called: DOCK6-related condition.

Allele frequency attached by ClinVar (database versions not stated): TOPMed 0.00001; gnomAD 0.00002; gnomAD exomes 0.00002.
gnomAD v4.1: 26 of 1,586,190 alleles (0.0016%); highest among the groups gnomAD compares: Non-Finnish European, 0.0021%; no homozygotes.

Submission:

PreventionGenetics, part of Exact Sciences
Classification: Likely benign for DOCK6-related condition. Last evaluated: 2019-06-19. Review status: no assertion criteria provided. Collection method: clinical testing. Allele origin: germline.
Comment: This variant is classified as likely benign based on ACMG/AMP sequence variant interpretation guidelines (Richards et al. 2015 PMID: 25741868, with internal and published modifications).

NM_020812.4(DOCK6):c.459C>T (p.Val153=)

Gene: DOCK6 (dedicator of cytokinesis 6; minus strand). Cytogenetic location: 19p13.2.
Variant type: single nucleotide variant.
Coding change: c.459C>T on transcript NM_020812.4 (MANE Select); coding-DNA position 459, C replaced by T.
Protein change: p.Val153=; no amino-acid change (valine 153 retained).
Molecular consequence: synonymous variant.
Genome position (GRCh38, 1-based): chr19:11,252,167, G>A on the plus strand (C>T on the coding strand, the complement: DOCK6 is on the minus strand). VCF-style: chr19-11252167-G-A. GRCh37 (hg19) VCF-style: chr19-11362843-G-A.
Other names: c.459C>T, p.Val153= (NM_001367830.1).
Identifiers: ClinVar variation 3033222 (VCV003033222.2), dbSNP rs1284542683, ClinGen allele CA505499778.